The following is an entry in ClinVar:

NM_015512.5(DNAH1):c.1321G>C (p.Val441Leu)

Gene: DNAH1 (dynein axonemal heavy chain 1; plus strand). Cytogenetic location: 3p21.1.
Variant type: single nucleotide variant.
Coding change: c.1321G>C on transcript NM_015512.5 (MANE Select); coding-DNA position 1321, G replaced by C.
Protein change: p.Val441Leu; replaces valine 441 with leucine.
Molecular consequence: missense variant.
Genome position (GRCh38, 1-based): chr3:52,344,524, G>C. VCF-style: chr3-52344524-G-C. GRCh37 (hg19) VCF-style: chr3-52378540-G-C.
Other names: p.Val441Leu; short protein forms V441L.
Identifiers: ClinVar variation 478413 (VCV000478413.26), dbSNP rs13060192, ClinGen allele CA2432949.

ClinVar aggregate classification (germline): Benign/Likely benign. Review status: criteria provided, multiple submitters, no conflicts (2 of 4 stars). 5 submissions from 5 submitters: Benign (3); Likely benign (2). Last evaluated 2026-02-04.

Conditions:
Spermatogenic failure 18. Identifiers: MedGen C4539783, MONDO:0054615, OMIM 617576.
Ciliary dyskinesia, primary, 37 (CILD37). Also called: CILIARY DYSKINESIA, PRIMARY, 37, WITH OR WITHOUT SITUS INVERSUS. Identifiers: MedGen C4539798, MONDO:0033204, OMIM 617577.

Allele frequency attached by ClinVar (database versions not stated): 1000 Genomes Project 30x 0.02998; 1000 Genomes Project 0.03055; ESP Exome Variant Server 0.03564; ExAC 0.03595; gnomAD 0.03599 and 0.03637; gnomAD exomes 0.03675 and 0.04461; TOPMed 0.03744.
gnomAD v4.1: 70,857 of 1,613,970 alleles (4.4%); highest among the groups gnomAD compares: Non-Finnish European, 4.9%; 1,787 homozygotes.

Submissions (5):

Labcorp Genetics (formerly Invitae), Labcorp
Classification: Benign for Ciliary dyskinesia, primary, 37; Spermatogenic failure 18. Last evaluated: 2026-02-04. Review status: criteria provided, single submitter. Criteria: Invitae Variant Classification Sherloc (09022015). Collection method: clinical testing. Allele origin: germline.

ARUP Laboratories, Molecular Genetics and Genomics, ARUP Laboratories
Classification: Benign. Last evaluated: 2025-07-11. Review status: criteria provided, single submitter. Criteria: ARUP Molecular Germline Variant Investigation Process 2024. Collection method: clinical testing. Allele origin: germline.

Mayo Clinic Laboratories, Mayo Clinic
Classification: Benign. Last evaluated: 2023-04-25. Review status: criteria provided, single submitter. Criteria: ACMG Guidelines, 2015. Collection method: clinical testing. Allele origin: germline. Observed: 14 variant alleles.
Comment: BA1, BP4

GeneDx
Classification: Likely benign. Last evaluated: 2018-07-09. Review status: criteria provided, single submitter. Criteria: GeneDx Variant Classification Process June 2021. Collection method: clinical testing. Allele origin: germline. Affected: yes.
Comment: This variant is associated with the following publications: (PMID: 31213628)

Breakthrough Genomics
Classification: Likely benign. Review status: criteria provided, single submitter. Criteria: ACMG Guidelines, 2015. Collection method: not provided. Allele origin: germline. Inheritance: Autosomal recessive inheritance. Affected: yes.

Literature cited by the submitters: PubMed 31213628 (cited by Mayo Clinic Laboratories, Mayo Clinic).